The following is an entry in ClinVar:

NM_000051.4(ATM):c.8495G>C (p.Arg2832Pro)

Genes: ATM (ATM serine/threonine kinase; plus strand), C11orf65 (chromosome 11 open reading frame 65; minus strand). Cytogenetic location: 11q22.3.
Variant type: single nucleotide variant.
Coding change: c.8495G>C on transcript NM_000051.4 (MANE Select); coding-DNA position 8495, G replaced by C.
Protein change: p.Arg2832Pro; replaces arginine 2832 with proline.
Molecular consequence: missense variant. On other transcripts: intron variant (2).
Genome position (GRCh38, 1-based): chr11:108,345,819, G>C. VCF-style: chr11-108345819-G-C. GRCh37 (hg19) VCF-style: chr11-108216546-G-C.
Other names: c.8495G>C, p.Arg2832Pro (NM_001351834.2); c.641-36748C>G (NM_001330368.2); c.695-10527C>G (NM_001351110.2); short protein forms R2832P.
Identifiers: ClinVar variation 429065 (VCV000429065.14), dbSNP rs529296539, ClinGen allele CA382518107.

ClinVar aggregate classification (germline): Conflicting classifications of pathogenicity. Review status: criteria provided, conflicting classifications (1 of 4 stars). 4 submissions from 4 submitters: Likely pathogenic (3); Uncertain significance (1). Last evaluated 2026-02-02.

Conditions:
ATM-related disorder. Also called: ATM-related disorders; ATM-related condition.
Hereditary cancer-predisposing syndrome. Also called: Neoplastic Syndromes, Hereditary; Hereditary Cancer Syndrome; Tumor predisposition; Hereditary neoplastic syndrome. Identifiers: Orphanet 140162, MedGen C0027672, MeSH D009386, MONDO:0015356.
ATM-related cancer predisposition. Also called: ATM-related cancer susceptibility. Identifiers: MedGen CN377759, MONDO:0700270.
Ataxia-telangiectasia syndrome (AT). Also called: LOUIS-BAR SYNDROME; Cerebello-oculocutaneous telangiectasia; Immunodeficiency with ataxia telangiectasia; Ataxia-telangiectasia, complementation group D; AT, COMPLEMENTATION GROUP C; Ataxia-telangiectasia, complementation group E. Identifiers: Orphanet 100, MedGen C0004135, MONDO:0008840, OMIM 208900.

gnomAD v4.1: 1 of 1,613,728 alleles (0.000062%); no homozygotes.

Submissions (4):

Ambry Genetics
Classification: Likely pathogenic for Hereditary cancer-predisposing syndrome. Last evaluated: 2026-02-02. Review status: criteria provided, single submitter. Criteria: Ambry Variant Classification Scheme 2023. Collection method: clinical testing. Allele origin: germline.
Comment: The p.R2832P variant (also known as c.8495G>C), located in coding exon 57 of the ATM gene, results from a G to C substitution at nucleotide position 8495. The arginine at codon 2832 is replaced by proline, an amino acid with dissimilar properties. This alteration has been identified in trans with a second ATM alteration in two brothers with clinical characteristics of ataxia telangiectasia (internal data). This amino acid position is highly conserved in available vertebrate species. In addition, this alteration is predicted to be deleterious by in silico analysis. This variant is considered to be rare based on population cohorts in the Genome Aggregation Database (gnomAD). Based on the majority of available evidence to date, this variant is likely to be pathogenic.

Department of Pathology and Laboratory Medicine, Sinai Health System
Classification: Uncertain significance for ATM-related cancer predisposition. Last evaluated: 2025-02-14. Review status: criteria provided, single submitter. Criteria: ACMG Guidelines, 2015. Collection method: clinical testing. Allele origin: germline.

Blueprint Genetics
Classification: Likely pathogenic for ATM-related disorders. Last evaluated: 2022-11-23. Review status: criteria provided, single submitter. Criteria: ACMG Guidelines, 2015. Collection method: clinical testing. Allele origin: germline. Affected: yes. Observed: 1 variant allele.

Labcorp Genetics (formerly Invitae), Labcorp
Classification: Likely pathogenic for Ataxia-telangiectasia syndrome. Last evaluated: 2022-07-18. Review status: criteria provided, single submitter. Criteria: Invitae Variant Classification Sherloc (09022015). Collection method: clinical testing. Allele origin: germline.
Comment: This variant disrupts the p.Arg2832 amino acid residue in ATM. Other variant(s) that disrupt this residue have been determined to be pathogenic (PMID: 9443866, 10817650, 10873394, 12552559, 18634022, 19431188, 26681312). This suggests that this residue is clinically significant, and that variants that disrupt this residue are likely to be disease-causing. Advanced modeling of protein sequence and biophysical properties (such as structural, functional, and spatial information, amino acid conservation, physicochemical variation, residue mobility, and thermodynamic stability) performed at Invitae indicates that this missense variant is expected to disrupt ATM protein function. ClinVar contains an entry for this variant (Variation ID: 429065). This variant has not been reported in the literature in individuals affected with ATM-related conditions. This variant is not present in population databases (gnomAD no frequency). This sequence change replaces arginine, which is basic and polar, with proline, which is neutral and non-polar, at codon 2832 of the ATM protein (p.Arg2832Pro). In summary, the currently available evidence indicates that the variant is pathogenic, but additional data are needed to prove that conclusively. Therefore, this variant has been classified as Likely Pathogenic.

Literature cited by the submitters: PubMed 18634022 (cited by Ambry Genetics and Labcorp Genetics (formerly Invitae), Labcorp); PubMed 9443866 (cited by Ambry Genetics and Labcorp Genetics (formerly Invitae), Labcorp); PubMed 10817650 (cited by Labcorp Genetics (formerly Invitae), Labcorp); PubMed 10873394 (cited by Labcorp Genetics (formerly Invitae), Labcorp); PubMed 12552559 (cited by Labcorp Genetics (formerly Invitae), Labcorp); PubMed 19431188 (cited by Labcorp Genetics (formerly Invitae), Labcorp); PubMed 26681312 (cited by Labcorp Genetics (formerly Invitae), Labcorp).